The following is an entry in ClinVar:

ClinVar aggregate classification (germline): Benign (1 of 4 stars; one submission).

Allele frequency attached by ClinVar (database versions not stated): 1000 Genomes Project 30x 0.08057; 1000 Genomes Project 0.07668; gnomAD 0.07211 and 0.06745; TOPMed 0.07674.
gnomAD v4.1: 10,161 of 152,176 alleles (6.7%); highest among the groups gnomAD compares: African/African-American, 23%; 1,063 homozygotes.

Submission:

GeneDx
Classification: Benign. Last evaluated: 2018-06-18. Review status: criteria provided, single submitter. Criteria: GeneDx Variant Classification (06012015). Collection method: clinical testing. Allele origin: germline. Affected: yes.
Comment: This variant is considered likely benign or benign based on one or more of the following criteria: it is a conservative change, it occurs at a poorly conserved position in the protein, it is predicted to be benign by multiple in silico algorithms, and/or has population frequency not consistent with disease.

NM_213569.2(NEBL):c.357+63863C>T

Gene: NEBL (nebulette; minus strand). Cytogenetic location: 10p12.31.
Variant type: single nucleotide variant.
Coding change: c.357+63863C>T on transcript NM_213569.2; 63863 bases into the intron after coding-DNA position 357, C replaced by T.
Molecular consequence: intron variant.
Genome position (GRCh38, 1-based): chr10:20,897,809, G>A on the plus strand (C>T on the coding strand, the complement: NEBL is on the minus strand). VCF-style: chr10-20897809-G-A. GRCh37 (hg19) VCF-style: chr10-21186738-G-A.
Other names: c.309+63863C>T (NM_001377323.1); c.249+63863C>T (NM_001377326.1, NM_001377327.1, NM_001377328.1); c.357+63863C>T (NM_001173484.2, NM_001377322.1); c.300+63863C>T (NM_001377324.1); c.291+63863C>T (NM_001377325.1).
Identifiers: ClinVar variation 683670 (VCV000683670.3), dbSNP rs12251227, ClinGen allele CA204180544.
Genomic context (GRCh38, chr10:20,897,809, plus strand): 5'-TCAGACATACCAGTACTTCTCACATCCTAAAAAATACCCACTTTATATTAGCTGATTAGA[G>A]GCTACTTATTTATTATGAAAAGCCCTTTGAACCACTTCAAAGAATCTATTCTGAGTTAAT-3'